The following is an entry in ClinVar:

ClinVar aggregate classification (germline): Uncertain significance (1 of 4 stars; one submission).

Conditions:
Developmental and epileptic encephalopathy, 53. Also called: Epileptic encephalopathy, early infantile, 53. Identifiers: MedGen C4479313, MONDO:0033362, OMIM 617389.
Early-onset Parkinson disease 20. Also called: PARKINSON DISEASE 20, AUTOSOMAL RECESSIVE EARLY-ONSET. Identifiers: Orphanet 391411, MedGen C3809824, MONDO:0014233, OMIM 615530.

Submission:

Labcorp Genetics (formerly Invitae), Labcorp
Classification: Uncertain significance for Developmental and epileptic encephalopathy, 53; Early-onset Parkinson disease 20. Last evaluated: 2022-07-12. Review status: criteria provided, single submitter. Criteria: Invitae Variant Classification Sherloc (09022015). Collection method: clinical testing. Allele origin: germline.
Comment: This sequence change replaces isoleucine, which is neutral and non-polar, with methionine, which is neutral and non-polar, at codon 970 of the SYNJ1 protein (p.Ile970Met). This variant is not present in population databases (gnomAD no frequency). This variant has not been reported in the literature in individuals affected with SYNJ1-related conditions. ClinVar contains an entry for this variant (Variation ID: 1469142). Algorithms developed to predict the effect of missense changes on protein structure and function are either unavailable or do not agree on the potential impact of this missense change (SIFT: "Deleterious"; PolyPhen-2: "Probably Damaging"; Align-GVGD: "Class C0"). In summary, the available evidence is currently insufficient to determine the role of this variant in disease. Therefore, it has been classified as a Variant of Uncertain Significance.

NM_203446.3(SYNJ1):c.2793A>G (p.Ile931Met)

Gene: SYNJ1 (synaptojanin 1; minus strand). Cytogenetic location: 21q22.11.
Variant type: single nucleotide variant.
Coding change: c.2793A>G on transcript NM_203446.3 (MANE Select); coding-DNA position 2793, A replaced by G.
Protein change: p.Ile931Met; replaces isoleucine 931 with methionine.
Molecular consequence: missense variant.
Genome position (GRCh38, 1-based): chr21:32,656,689, T>C on the plus strand (A>G on the coding strand, the complement: SYNJ1 is on the minus strand). VCF-style: chr21-32656689-T-C. GRCh37 (hg19) VCF-style: chr21-34028999-T-C.
Other names: c.2793A>G, p.Ile931Met (NM_001160302.2); c.2778A>G, p.Ile926Met (NM_001160306.2); c.2910A>G, p.Ile970Met (NM_003895.4); short protein forms I970M, I931M, I926M.
Identifiers: ClinVar variation 1469142 (VCV001469142.8), dbSNP rs2040469812, ClinGen allele CA410073095.
Genomic context (GRCh38, chr21:32,656,689, plus strand): 5'-CTATATAGAAATGATTGTTTATGAATCACAAGCTACTTTTGCATAATAAACATCTTACCT[T>C]ATAAGTATAACTTCACCAAAACTTGCAAACTGCTGCAGAAGCTCATCAATCAAGGCATCA-3'
Protein context (NP_982271.3, residues 921-941): QFASFGEVIL[Ile931Met]RFVEDKMWVT